The following is an entry in ClinVar:

ClinVar aggregate classification (germline): Uncertain significance (1 of 4 stars; one submission).

Submission:

GeneDx
Classification: Uncertain significance. Last evaluated: 2019-10-04. Review status: criteria provided, single submitter. Criteria: GeneDx Variant Classification Process June 2021. Collection method: clinical testing. Allele origin: germline. Affected: yes.
Comment: Has not been previously published as pathogenic or benign to our knowledge; Not observed in large population cohorts (Lek et al., 2016); In silico analysis, which includes protein predictors and evolutionary conservation, supports a deleterious effect

NM_001035.3(RYR2):c.218T>G (p.Leu73Arg)

Gene: RYR2 (ryanodine receptor 2; plus strand). Cytogenetic location: 1q43.
Variant type: single nucleotide variant.
Coding change: c.218T>G on transcript NM_001035.3 (MANE Select); coding-DNA position 218, T replaced by G.
Protein change: p.Leu73Arg; replaces leucine 73 with arginine.
Molecular consequence: missense variant.
Genome position (GRCh38, 1-based): chr1:237,330,927, T>G. VCF-style: chr1-237330927-T-G. GRCh37 (hg19) VCF-style: chr1-237494227-T-G.
Other names: p.L73R:CTC>CGC; c.218T>G, p.Leu73Arg (LRG_402t1); short protein forms L73R.
Identifiers: ClinVar variation 201189 (VCV000201189.4), dbSNP rs794728705, ClinGen allele CA008700.